The following is an entry in ClinVar:

NM_024741.3(ZNF408):c.1060C>T (p.Arg354Trp)

Gene: ZNF408 (zinc finger protein 408; plus strand). Cytogenetic location: 11p11.2.
Variant type: single nucleotide variant.
Coding change: c.1060C>T on transcript NM_024741.3 (MANE Select); coding-DNA position 1060, C replaced by T.
Protein change: p.Arg354Trp; replaces arginine 354 with tryptophan.
Molecular consequence: missense variant.
Genome position (GRCh38, 1-based): chr11:46,704,760, C>T. VCF-style: chr11-46704760-C-T. GRCh37 (hg19) VCF-style: chr11-46726310-C-T.
Other names: c.1060C>T (NM_024741.2); c.1036C>T, p.Arg346Trp (NM_001184751.2); short protein forms R346W, R354W.
Identifiers: ClinVar variation 1486889 (VCV001486889.9), dbSNP rs749384154, ClinGen allele CA5966489.

ClinVar aggregate classification (germline): Uncertain significance. Review status: criteria provided, multiple submitters, no conflicts (2 of 4 stars). 4 submissions from 4 submitters: Uncertain significance (4). Last evaluated 2025-01-09.

Conditions:
Inborn genetic diseases. Identifiers: MedGen C0950123, MeSH D030342.

Allele frequency attached by ClinVar (database versions not stated): gnomAD 0.00001; TOPMed 0.00001; gnomAD exomes 0.00002 and 0.00004; ExAC 0.00004.
gnomAD v4.1: 32 of 1,592,352 alleles (0.002%); highest among the groups gnomAD compares: South Asian, 0.019%; no homozygotes.

Submissions (4):

Ambry Genetics
Classification: Uncertain significance for Inborn genetic diseases. Last evaluated: 2025-01-09. Review status: criteria provided, single submitter. Criteria: Ambry Variant Classification Scheme 2023. Collection method: clinical testing. Allele origin: germline.

GeneDx
Classification: Uncertain significance. Last evaluated: 2024-12-03. Review status: criteria provided, single submitter. Criteria: GeneDx Variant Classification Process June 2021. Collection method: clinical testing. Allele origin: germline. Affected: yes.
Comment: In silico analysis supports that this missense variant has a deleterious effect on protein structure/function; Has not been previously published as pathogenic or benign to our knowledge

Blueprint Genetics
Classification: Uncertain significance. Last evaluated: 2024-06-27. Review status: criteria provided, single submitter. Criteria: ACMG Guidelines, 2015. Collection method: clinical testing. Allele origin: germline.

Labcorp Genetics (formerly Invitae), Labcorp
Classification: Uncertain significance. Last evaluated: 2022-07-06. Review status: criteria provided, single submitter. Criteria: Invitae Variant Classification Sherloc (09022015). Collection method: clinical testing. Allele origin: germline.
Comment: In summary, the available evidence is currently insufficient to determine the role of this variant in disease. Therefore, it has been classified as a Variant of Uncertain Significance. Algorithms developed to predict the effect of missense changes on protein structure and function (SIFT, PolyPhen-2, Align-GVGD) all suggest that this variant is likely to be disruptive. ClinVar contains an entry for this variant (Variation ID: 1486889). This variant has not been reported in the literature in individuals affected with ZNF408-related conditions. This variant is present in population databases (rs749384154, gnomAD 0.02%). This sequence change replaces arginine, which is basic and polar, with tryptophan, which is neutral and slightly polar, at codon 354 of the ZNF408 protein (p.Arg354Trp).